The following is an entry in ClinVar:

ClinVar aggregate classification (germline): Uncertain significance (1 of 4 stars; one submission).

Submission:

Labcorp Genetics (formerly Invitae), Labcorp
Classification: Uncertain significance. Last evaluated: 2025-02-20. Review status: criteria provided, single submitter. Criteria: Invitae Variant Classification Sherloc (09022015). Collection method: clinical testing. Allele origin: germline.
Comment: This sequence change replaces asparagine, which is neutral and polar, with isoleucine, which is neutral and non-polar, at codon 194 of the TNNI3K protein (p.Asn194Ile). This variant is not present in population databases (gnomAD no frequency). This variant has not been reported in the literature in individuals affected with TNNI3K-related conditions. ClinVar contains an entry for this variant (Variation ID: 2078633). Invitae Evidence Modeling of protein sequence and biophysical properties (such as structural, functional, and spatial information, amino acid conservation, physicochemical variation, residue mobility, and thermodynamic stability) has been performed for this missense variant. However, the output from this modeling did not meet the statistical confidence thresholds required to predict the impact of this variant on TNNI3K protein function. In summary, the available evidence is currently insufficient to determine the role of this variant in disease. Therefore, it has been classified as a Variant of Uncertain Significance.

NM_015978.3(TNNI3K):c.581A>T (p.Asn194Ile)

Genes: FPGT-TNNI3K (FPGT-TNNI3K readthrough; plus strand), TNNI3K (TNNI3 interacting kinase; plus strand). Cytogenetic location: 1p31.1.
Variant type: single nucleotide variant.
Coding change: c.581A>T on transcript NM_015978.3 (MANE Select); coding-DNA position 581, A replaced by T.
Protein change: p.Asn194Ile; replaces asparagine 194 with isoleucine.
Molecular consequence: missense variant.
Genome position (GRCh38, 1-based): chr1:74,336,048, A>T. VCF-style: chr1-74336048-A-T. GRCh37 (hg19) VCF-style: chr1-74801732-A-T.
Other names: c.884A>T, p.Asn295Ile (NM_001112808.3, NM_001199327.2); short protein forms N194I, N295I.
Identifiers: ClinVar variation 2078633 (VCV002078633.4), dbSNP rs2524332633, ClinGen allele CA340780247.
Genomic context (GRCh38, chr1:74,336,048, plus strand): 5'-TTTCAAATGAATAAATCCTTTAGGTAACTCGCCTTCTTTTGAAATTTGGTGCTGATGTAA[A>T]TGTAAGTGGTGAAGTTGGAGATAGACCCCTCCACCTAGCATCTGCAAAAGGATTCTTGAA-3'
Protein context (NP_057062.1, residues 184-204): RLLLKFGADV[Asn194Ile]VSGEVGDRPL